The following is an entry in ClinVar:

NM_198834.3(ACACA):c.5737C>T (p.His1913Tyr)

Gene: ACACA (acetyl-CoA carboxylase alpha; minus strand). Cytogenetic location: 17q12.
Variant type: single nucleotide variant.
Coding change: c.5737C>T on transcript NM_198834.3 (MANE Select); coding-DNA position 5737, C replaced by T.
Protein change: p.His1913Tyr; replaces histidine 1913 with tyrosine.
Molecular consequence: missense variant.
Genome position (GRCh38, 1-based): chr17:37,130,161, G>A on the plus strand (C>T on the coding strand, the complement: ACACA is on the minus strand). VCF-style: chr17-37130161-G-A. GRCh37 (hg19) VCF-style: chr17-35487087-G-A.
Other names: c.5626C>T, p.His1876Tyr (NM_198836.3, NM_198839.3); c.5452C>T, p.His1818Tyr (NM_198837.2); c.5392C>T, p.His1798Tyr (NM_198838.2); short protein forms H1798Y, H1876Y, H1818Y, H1913Y.
Identifiers: ClinVar variation 2023032 (VCV002023032.4), dbSNP rs2545058858, ClinGen allele CA399175809.

ClinVar aggregate classification (germline): Uncertain significance (1 of 4 stars; one submission).

Submission:

Labcorp Genetics (formerly Invitae), Labcorp
Classification: Uncertain significance. Last evaluated: 2025-07-21. Review status: criteria provided, single submitter. Criteria: Invitae Variant Classification Sherloc (09022015). Collection method: clinical testing. Allele origin: germline.
Comment: This sequence change replaces histidine, which is basic and polar, with tyrosine, which is neutral and polar, at codon 1876 of the ACACA protein (p.His1876Tyr). This variant is not present in population databases (gnomAD no frequency). This variant has not been reported in the literature in individuals affected with ACACA-related conditions. ClinVar contains an entry for this variant (Variation ID: 2023032). An algorithm developed to predict the effect of missense changes on protein structure and function (PolyPhen-2) suggests that this variant is likely to be tolerated. In summary, the available evidence is currently insufficient to determine the role of this variant in disease. Therefore, it has been classified as a Variant of Uncertain Significance.